The following is an entry in ClinVar:

NM_000088.4(COL1A1):c.1886del (p.Gly629fs)

Gene: COL1A1 (collagen type I alpha 1 chain; minus strand). Cytogenetic location: 17q21.33.
Variant type: Deletion.
Coding change: c.1886del on transcript NM_000088.4 (MANE Select); coding-DNA position 1886, one base deleted (G; older notation c.1886delG).
Protein change: p.Gly629fs; shifts the reading frame from glycine 629.
Molecular consequence: frameshift variant.
Genome position (GRCh38, 1-based): chr17:50,192,683, C deleted on the plus strand (G on the coding strand, the reverse complement: COL1A1 is on the minus strand); the first of 2 consecutive C bases (chr17:50,192,683-50,192,684); deleting either gives the same sequence. VCF-style (leftmost placement, unchanged base first): chr17-50192682-GC-G. GRCh37 (hg19) VCF-style: chr17-48270043-GC-G.
Other names: short protein forms G629fs.
Identifiers: ClinVar variation 1072431 (VCV001072431.9), dbSNP rs66489346, ClinGen allele CA291544260.
Genomic context (GRCh38, chr17:50,192,682, plus strand): 5'-ACAGCCATGAGGCCTCACCTGGAATCCGGGGGAGCCAGCAGGGCCTTGTTCACCTCTCTC[GC>G]CAGCGGGACCCTGCACAGAGAGAACACTACAGTCACGGGGAGGCCGAGGAGACGAGGGGC-3'

ClinVar aggregate classification (germline): Pathogenic (1 of 4 stars; one submission).

Conditions:
Osteogenesis imperfecta type I (OI1). Also called: OI, TYPE I; OSTEOGENESIS IMPERFECTA TARDA; OSTEOGENESIS IMPERFECTA WITH BLUE SCLERAE; Lobstein disease; Osteogenesis imperfecta type 1; Lobstein's Disease. Identifiers: Orphanet 216796, Orphanet 666, MedGen C0023931, MONDO:0008146, OMIM 166200. Disease mechanism: loss of function.

Submission:

Labcorp Genetics (formerly Invitae), Labcorp
Classification: Pathogenic for Osteogenesis imperfecta type I. Last evaluated: 2020-08-26. Review status: criteria provided, single submitter. Criteria: Invitae Variant Classification Sherloc (09022015). Collection method: clinical testing. Allele origin: germline.
Comment: Loss-of-function variants in COL1A1 are known to be pathogenic (PMID: 7942841, 9295084, 9443882). This variant has been observed in individual(s) with osteogenesis imperfecta (PMID: 15741671). This variant is also known as c.1885delG. This variant is not present in population databases (ExAC no frequency). This sequence change creates a premature translational stop signal (p.Gly629Alafs*137) in the COL1A1 gene. It is expected to result in an absent or disrupted protein product. For these reasons, this variant has been classified as Pathogenic.

Literature cited by the submitters: PubMed 7942841; PubMed 9295084; PubMed 9443882; PubMed 15741671.